The following is an entry in ClinVar:

NM_002184.4(IL6ST):c.2210C>T (p.Ser737Phe)

Gene: IL6ST (interleukin 6 cytokine family signal transducer; minus strand). Cytogenetic location: 5q11.2.
Variant type: single nucleotide variant.
Coding change: c.2210C>T on transcript NM_002184.4 (MANE Select); coding-DNA position 2210, C replaced by T.
Protein change: p.Ser737Phe; replaces serine 737 with phenylalanine.
Molecular consequence: missense variant. On other transcripts: 3 prime UTR variant (1), non-coding transcript variant (2).
Genome position (GRCh38, 1-based): chr5:55,941,629, G>A on the plus strand (C>T on the coding strand, the complement: IL6ST is on the minus strand). VCF-style: chr5-55941629-G-A. GRCh37 (hg19) VCF-style: chr5-55237457-G-A.
Other names: c.2027C>T, p.Ser676Phe (NM_001190981.2); c.2108C>T, p.Ser703Phe (NM_001364275.2); c.2000C>T, p.Ser667Phe (NM_001364276.2); c.1343C>T, p.Ser448Phe (NM_001364277.2); c.1307C>T, p.Ser436Phe (NM_001364278.2); c.1214C>T, p.Ser405Phe (NM_001364279.2); c.*1137C>T (NM_175767.3); short protein forms S405F, S436F, S448F, S667F, S676F, S703F, S737F.
Identifiers: ClinVar variation 2427799 (VCV002427799.6), dbSNP rs61740791, ClinGen allele CA119065838.
Genomic context (GRCh38, chr5:55,941,629, plus strand): 5'-ACAGTGCTCGAAGTGTTTTGTGAAGATTCATTTTCATCACTGCTAGAAATGCTTGGCCTA[G>A]AAGATGACATGCATGAAGACCCCCCAATACCACTGCTGTGTCCTTCAGTATTAATTTTTT-3'
Protein context (NP_002175.2, residues 727-747): GIGGSSCMSS[Ser737Phe]RPSISSSDEN

ClinVar aggregate classification (germline): Uncertain significance (1 of 4 stars; one submission).

Allele frequency attached by ClinVar (database versions not stated): gnomAD 0.00001; TOPMed below 0.00001.
gnomAD v4.1: 1 of 1,614,010 alleles (0.000062%); highest among the groups gnomAD compares: African/African-American, 0.0013%; no homozygotes.

Submission:

Labcorp Genetics (formerly Invitae), Labcorp
Classification: Uncertain significance. Last evaluated: 2022-09-13. Review status: criteria provided, single submitter. Criteria: Invitae Variant Classification Sherloc (09022015). Collection method: clinical testing. Allele origin: germline.
Comment: This sequence change replaces serine, which is neutral and polar, with phenylalanine, which is neutral and non-polar, at codon 737 of the IL6ST protein (p.Ser737Phe). This variant is present in population databases (rs61740791, gnomAD 0.01%). This variant has not been reported in the literature in individuals affected with IL6ST-related conditions. Algorithms developed to predict the effect of missense changes on protein structure and function are either unavailable or do not agree on the potential impact of this missense change (SIFT: "Tolerated"; PolyPhen-2: "Probably Damaging"; Align-GVGD: "Class C0"). In summary, the available evidence is currently insufficient to determine the role of this variant in disease. Therefore, it has been classified as a Variant of Uncertain Significance.